The following is an entry in ClinVar:

NM_052876.4(NACC1):c.156C>T (p.Ser52=)

Gene: NACC1 (nucleus accumbens associated 1; plus strand). Cytogenetic location: 19p13.13.
Variant type: single nucleotide variant.
Coding change: c.156C>T on transcript NM_052876.4 (MANE Select); coding-DNA position 156, C replaced by T.
Protein change: p.Ser52=; no amino-acid change (serine 52 retained).
Molecular consequence: synonymous variant.
Genome position (GRCh38, 1-based): chr19:13,135,363, C>T. VCF-style: chr19-13135363-C-T. GRCh37 (hg19) VCF-style: chr19-13246177-C-T.
Identifiers: ClinVar variation 3026039 (VCV003026039.23), dbSNP rs370521369, ClinGen allele CA9238224.

ClinVar aggregate classification (germline): Likely benign. Review status: criteria provided, multiple submitters, no conflicts (2 of 4 stars). 2 submissions from 2 submitters: Likely benign (2). Last evaluated 2024-02-01.

Allele frequency attached by ClinVar (database versions not stated): gnomAD 0.00001; gnomAD exomes 0.00001; ESP Exome Variant Server 0.00008; TOPMed below 0.00001; ExAC 0.00001.

Submissions (2):

CeGaT Center for Human Genetics Tuebingen
Classification: Likely benign. Last evaluated: 2024-02-01. Review status: criteria provided, single submitter. Criteria: CeGaT Center For Human Genetics Tuebingen Variant Classification Criteria Version 2. Collection method: clinical testing. Allele origin: germline. Affected: yes. Observed: 1 variant allele.
Comment: NACC1: BP4

Blueprint Genetics
Classification: Likely benign. Last evaluated: 2023-06-19. Review status: criteria provided, single submitter. Criteria: ACMG Guidelines, 2015. Collection method: clinical testing. Allele origin: germline.